The following is an entry in ClinVar:

ClinVar aggregate classification (germline): Likely pathogenic (1 of 4 stars; one submission).

Conditions:
AHDC1-related intellectual disability - obstructive sleep apnea - mild dysmorphism syndrome. Also called: Xia-Gibbs syndrome. Identifiers: Orphanet 412069, MedGen C4014419, MONDO:0014358, OMIM 615829.

Submission:

3billion
Classification: Likely pathogenic for AHDC1-related intellectual disability - obstructive sleep apnea - mild dysmorphism syndrome. Last evaluated: 2021-10-02. Review status: criteria provided, single submitter. Criteria: ACMG Guidelines, 2015. Collection method: clinical testing. Allele origin: unknown. Affected: yes. Observed: 1 heterozygote.
Comment: Frameshift: predicted to result in a loss or disruption of normal protein function through nonsense-mediated decay (NMD) or protein truncation. Multiple pathogenic variants are reported downstream of the variant (PVS1_VS). t is not observed in the gnomAD v2.1.1 dataset (PM2). Therefore, this variant is classified as pathogenic according to the recommendation of ACMG/AMP guideline.

NM_001371928.1(AHDC1):c.1757_1758del (p.Lys586fs)

Gene: AHDC1 (AT-hook DNA binding motif containing 1; minus strand). Cytogenetic location: 1p36.11.
Variant type: Deletion.
Coding change: c.1757_1758del on transcript NM_001371928.1 (MANE Select); coding-DNA positions 1757 to 1758, 2 bases deleted (AA; older notation c.1757_1758delAA).
Protein change: p.Lys586fs; shifts the reading frame from lysine 586.
Molecular consequence: frameshift variant.
Genome position (GRCh38, 1-based): chr1:27,550,358-27,550,359, TT deleted on the plus strand (AA on the coding strand, the reverse complement: AHDC1 is on the minus strand); deleting any 2 consecutive bases within chr1:27,550,358-27,550,364 gives the same sequence; the c. name uses the placement nearest the transcript's 3' end. VCF-style (leftmost placement, unchanged base first): chr1-27550357-GTT-G. GRCh37 (hg19) VCF-style: chr1-27876868-GTT-G.
Other names: c.1757_1758del, p.Lys586fs (NM_001029882.3); short protein forms K586fs.
Identifiers: ClinVar variation 1320090 (VCV001320090.1), dbSNP rs1064797043, ClinGen allele CA2573051553.